The following is an entry in ClinVar:

NM_053025.4(MYLK):c.4550A>T (p.His1517Leu)

Gene: MYLK (myosin light chain kinase; minus strand). Cytogenetic location: 3q21.1.
Variant type: single nucleotide variant.
Coding change: c.4550A>T on transcript NM_053025.4 (MANE Select); coding-DNA position 4550, A replaced by T.
Protein change: p.His1517Leu; replaces histidine 1517 with leucine.
Molecular consequence: missense variant.
Genome position (GRCh38, 1-based): chr3:123,647,293, T>A on the plus strand (A>T on the coding strand, the complement: MYLK is on the minus strand). VCF-style: chr3-123647293-T-A. GRCh37 (hg19) VCF-style: chr3-123366140-T-A.
Other names: c.4022A>T, p.His1341Leu (NM_001321309.2); c.4343A>T, p.His1448Leu (NM_053026.4, NM_053028.4); c.4550A>T, p.His1517Leu (NM_053027.4); short protein forms H1341L, H1448L, H1517L.
Identifiers: ClinVar variation 2452948 (VCV002452948.2), dbSNP rs2473360713, ClinGen allele CA354227093.

ClinVar aggregate classification (germline): Uncertain significance (1 of 4 stars; one submission).

Conditions:
Familial thoracic aortic aneurysm and aortic dissection (TAAD). Also called: Thoracic aortic aneurysms and dissections. Identifiers: Orphanet 91387, MedGen C4707243, MONDO:0019625.

Submission:

Ambry Genetics
Classification: Uncertain significance for Familial thoracic aortic aneurysm and aortic dissection. Last evaluated: 2022-11-19. Review status: criteria provided, single submitter. Criteria: Ambry Variant Classification Scheme 2023. Collection method: clinical testing. Allele origin: germline.
Comment: The p.H1517L variant (also known as c.4550A>T), located in coding exon 24 of the MYLK gene, results from an A to T substitution at nucleotide position 4550. The histidine at codon 1517 is replaced by leucine, an amino acid with similar properties. This amino acid position is conserved. In addition, the in silico prediction for this alteration is inconclusive. Since supporting evidence is limited at this time, the clinical significance of this alteration remains unclear.